The following is an entry in ClinVar:

NM_000742.4(CHRNA2):c.201C>G (p.Phe67Leu)

Gene: CHRNA2 (cholinergic receptor nicotinic alpha 2 subunit; minus strand). Cytogenetic location: 8p21.2.
Variant type: single nucleotide variant.
Coding change: c.201C>G on transcript NM_000742.4 (MANE Select); coding-DNA position 201, C replaced by G.
Protein change: p.Phe67Leu; replaces phenylalanine 67 with leucine.
Molecular consequence: missense variant. On other transcripts: 5 prime UTR variant (4).
Genome position (GRCh38, 1-based): chr8:27,469,854, G>C on the plus strand (C>G on the coding strand, the complement: CHRNA2 is on the minus strand). VCF-style: chr8-27469854-G-C. GRCh37 (hg19) VCF-style: chr8-27327371-G-C.
Other names: c.201C>G, p.Phe67Leu (NM_001282455.2); c.-227C>G (NM_001347705.2); c.-272C>G (NM_001347706.2); c.-213C>G (NM_001347707.2); c.-261C>G (NM_001347708.2); short protein forms F67L.
Identifiers: ClinVar variation 590091 (VCV000590091.6), dbSNP rs1563322922, ClinGen allele CA370813071.
Genomic context (GRCh38, chr8:27,469,854, plus strand): 5'-GCGCACAATCACCACGTCTGAAGTGTTGGGCACCGGGCGCGCCCAGCGGTTGTAGCCCCG[G>C]AAGAGGTGTTTGAAGAGCCGGTCCTCAGTCTCGGTATGCGAGCCTCCCTGCGGCAATGCC-3'
Protein context (NP_000733.2, residues 57-77): ETEDRLFKHL[Phe67Leu]RGYNRWARPV

ClinVar aggregate classification (germline): Uncertain significance. Review status: criteria provided, multiple submitters, no conflicts (2 of 4 stars). 2 submissions from 2 submitters: Uncertain significance (2). Last evaluated 2025-07-27.

Conditions:
Familial sleep-related hypermotor epilepsy. Also called: Autosomal Dominant Sleep-Related Hypermotor (Hyperkinetic) Epilepsy. Identifiers: Orphanet 98784, MedGen C3696898, MONDO:0000030.
Inborn genetic diseases. Identifiers: MedGen C0950123, MeSH D030342.

Allele frequency attached by ClinVar (database versions not stated): TOPMed below 0.00001.

Submissions (2):

Labcorp Genetics (formerly Invitae), Labcorp
Classification: Uncertain significance. Last evaluated: 2025-07-27. Review status: criteria provided, single submitter. Criteria: Invitae Variant Classification Sherloc (09022015). Collection method: clinical testing. Allele origin: germline.
Comment: This sequence change replaces phenylalanine, which is neutral and non-polar, with leucine, which is neutral and non-polar, at codon 67 of the CHRNA2 protein (p.Phe67Leu). This variant is not present in population databases (gnomAD no frequency). This variant has not been reported in the literature in individuals affected with CHRNA2-related conditions. ClinVar contains an entry for this variant (Variation ID: 590091). Invitae Evidence Modeling of protein sequence and biophysical properties (such as structural, functional, and spatial information, amino acid conservation, physicochemical variation, residue mobility, and thermodynamic stability) indicates that this missense variant is not expected to disrupt CHRNA2 protein function with a negative predictive value of 80%. In summary, the available evidence is currently insufficient to determine the role of this variant in disease. Therefore, it has been classified as a Variant of Uncertain Significance.

Ambry Genetics
Classification: Uncertain significance for Inborn genetic diseases. Last evaluated: 2017-03-07. Review status: criteria provided, single submitter. Criteria: Ambry Variant Classification Scheme 2023. Collection method: clinical testing. Allele origin: germline.
Comment: The p.F67L variant (also known as c.201C>G), located in coding exon 2 of the CHRNA2 gene, results from a C to G substitution at nucleotide position 201. The phenylalanine at codon 67 is replaced by leucine, an amino acid with highly similar properties. This amino acid position is highly conserved in available vertebrate species. In addition, the in silico prediction for this alteration is inconclusive. Since supporting evidence is limited at this time, the clinical significance of this alteration remains unclear.